The following is an entry in ClinVar:

ClinVar aggregate classification (germline): Uncertain significance (1 of 4 stars; one submission).

Conditions:
Predisposition to invasive fungal disease due to CARD9 deficiency (IMD103). Also called: Candidiasis, familial, 2, autosomal recessive; IMMUNODEFICIENCY 103, SUSCEPTIBILITY TO FUNGAL INFECTIONS; CARD9 IMMUNODEFICIENCY. Identifiers: Orphanet 457088, MedGen C1859353, MONDO:0008905, OMIM 212050.

Allele frequency attached by ClinVar (database versions not stated): gnomAD 0.00001; gnomAD exomes 0.00001; ExAC 0.00002; TOPMed 0.00002.
gnomAD v4.1: 19 of 1,604,876 alleles (0.0012%); highest among the groups gnomAD compares: Middle Eastern, 0.016%; no homozygotes.

Submission:

Labcorp Genetics (formerly Invitae), Labcorp
Classification: Uncertain significance for Predisposition to invasive fungal disease due to CARD9 deficiency. Last evaluated: 2023-08-10. Review status: criteria provided, single submitter. Criteria: Invitae Variant Classification Sherloc (09022015). Collection method: clinical testing. Allele origin: germline.
Comment: The frequency data for this variant in the population databases is considered unreliable, as metrics indicate poor data quality at this position in the gnomAD database. In summary, the available evidence is currently insufficient to determine the role of this variant in disease. Therefore, it has been classified as a Variant of Uncertain Significance. Advanced modeling of protein sequence and biophysical properties (such as structural, functional, and spatial information, amino acid conservation, physicochemical variation, residue mobility, and thermodynamic stability) performed at Invitae indicates that this missense variant is expected to disrupt CARD9 protein function. ClinVar contains an entry for this variant (Variation ID: 2417489). This variant has not been reported in the literature in individuals affected with CARD9-related conditions. This sequence change replaces arginine, which is basic and polar, with cysteine, which is neutral and slightly polar, at codon 382 of the CARD9 protein (p.Arg382Cys).

NM_052813.5(CARD9):c.1144C>T (p.Arg382Cys)

Gene: CARD9 (caspase recruitment domain family member 9; minus strand). Cytogenetic location: 9q34.3.
Variant type: single nucleotide variant.
Coding change: c.1144C>T on transcript NM_052813.5 (MANE Select); coding-DNA position 1144, C replaced by T.
Protein change: p.Arg382Cys; replaces arginine 382 with cysteine.
Molecular consequence: missense variant.
Genome position (GRCh38, 1-based): chr9:136,367,762, G>A on the plus strand (C>T on the coding strand, the complement: CARD9 is on the minus strand). VCF-style: chr9-136367762-G-A. GRCh37 (hg19) VCF-style: chr9-139262214-G-A.
Other names: c.1144C>T, p.Arg382Cys (NM_052814.4); short protein forms R382C.
Identifiers: ClinVar variation 2417489 (VCV002417489.8), dbSNP rs751616314, ClinGen allele CA5332811.